The following is an entry in ClinVar:

NM_021728.4(OTX2):c.588_591dup (p.Ala198fs)

Gene: OTX2 (orthodenticle homeobox 2; minus strand). Cytogenetic location: 14q22.3.
Variant type: Microsatellite.
Coding change: c.588_591dup on transcript NM_021728.4 (MANE Select); coding-DNA positions 588 to 591, 4 bases duplicated (ATAT; older notation c.588_591dupATAT).
Protein change: p.Ala198fs; shifts the reading frame from alanine 198.
Molecular consequence: frameshift variant. On other transcripts: non-coding transcript variant (2).
Genome position (GRCh38, 1-based): chr14:56,802,038-56,802,041, ATAT duplicated on the plus strand (ATAT on the coding strand, the reverse complement: OTX2 is on the minus strand). VCF-style (leftmost placement, unchanged base first): chr14-56802037-C-CATAT. GRCh37 (hg19) VCF-style: chr14-57268755-C-CATAT.
Other names: c.564_567dup, p.Ala190fs (NM_001270523.2, NM_001270524.2, NM_172337.3); c.588_591dup, p.Ala198fs (NM_001270525.2); short protein forms A190fs, A198fs.
Identifiers: ClinVar variation 1710331 (VCV001710331.1), dbSNP rs2503895810, ClinGen allele CA2580613690.

ClinVar aggregate classification (germline): Pathogenic (1 of 4 stars; one submission).

Conditions:
Anophthalmia. Identifiers: MedGen C0003119, HP:0000528. Disease mechanism: loss of function. Inheritance: Mendelian inheritance.

Submission:

Genetics Department, University Hospital of Toulouse
Classification: Pathogenic for Anophthalmia. Last evaluated: 2022-10-15. Review status: criteria provided, single submitter. Criteria: ACMG Guidelines, 2015. Collection method: clinical testing. Allele origin: germline. Affected: yes.
Comment: P (PSVS1, PS2, PM2)